The following is an entry in ClinVar:

ClinVar aggregate classification (germline): Uncertain significance (1 of 4 stars; one submission).

Allele frequency attached by ClinVar (database versions not stated): ExAC 0.00001; gnomAD 0.00001; gnomAD exomes 0.00001; ESP Exome Variant Server 0.00008.
gnomAD v4.1: 20 of 1,610,822 alleles (0.0012%); highest among the groups gnomAD compares: Non-Finnish European, 0.0017%; no homozygotes.

Submission:

Ambry Genetics
Classification: Uncertain significance. Last evaluated: 2022-11-05. Review status: criteria provided, single submitter. Criteria: Ambry Variant Classification Scheme 2023. Collection method: clinical testing. Allele origin: germline.
Comment: The p.V661I variant (also known as c.1981G>A), located in coding exon 4 of the ALPK2 gene, results from a G to A substitution at nucleotide position 1981. The valine at codon 661 is replaced by isoleucine, an amino acid with highly similar properties. This amino acid position is conserved. In addition, this alteration is predicted to be tolerated by in silico analysis. Since supporting evidence is limited at this time, the clinical significance of this alteration remains unclear.

NM_052947.4(ALPK2):c.1981G>A (p.Val661Ile)

Gene: ALPK2 (alpha kinase 2; minus strand). Cytogenetic location: 18q21.31.
Variant type: single nucleotide variant.
Coding change: c.1981G>A on transcript NM_052947.4 (MANE Select); coding-DNA position 1981, G replaced by A.
Protein change: p.Val661Ile; replaces valine 661 with isoleucine.
Molecular consequence: missense variant.
Genome position (GRCh38, 1-based): chr18:58,538,206, C>T on the plus strand (G>A on the coding strand, the complement: ALPK2 is on the minus strand). VCF-style: chr18-58538206-C-T. GRCh37 (hg19) VCF-style: chr18-56205438-C-T.
Other names: short protein forms V661I.
Identifiers: ClinVar variation 2449188 (VCV002449188.2), dbSNP rs148663006, ClinGen allele CA8977141.